The following is an entry in ClinVar:

NM_000388.4(CASR):c.1728G>C (p.Glu576Asp)

Gene: CASR (calcium sensing receptor; plus strand). Cytogenetic location: 3q21.1.
Variant type: single nucleotide variant.
Coding change: c.1728G>C on transcript NM_000388.4 (MANE Select); coding-DNA position 1728, G replaced by C.
Protein change: p.Glu576Asp; replaces glutamic acid 576 with aspartic acid.
Molecular consequence: missense variant.
Genome position (GRCh38, 1-based): chr3:122,282,232, G>C. VCF-style: chr3-122282232-G-C. GRCh37 (hg19) VCF-style: chr3-122001079-G-C.
Other names: c.1758G>C, p.Glu586Asp (NM_001178065.2); short protein forms E576D, E586D.
Identifiers: ClinVar variation 952765 (VCV000952765.10), dbSNP rs2074899858, ClinGen allele CA354156374.

ClinVar aggregate classification (germline): Uncertain significance (1 of 4 stars; one submission).

Conditions:
Autosomal dominant hypocalcemia 1 (HYPOC1). Also called: HYPOCALCEMIA, FAMILIAL. Identifiers: MedGen C3715128, MONDO:0011013, OMIM 601198.
Familial hypocalciuric hypercalcemia (FHH). Also called: Familial benign hypercalcemia. Identifiers: Orphanet 405, MedGen C1809471, MONDO:0018458.

Submission:

Labcorp Genetics (formerly Invitae), Labcorp
Classification: Uncertain significance for Familial hypocalciuric hypercalcemia; Autosomal dominant hypocalcemia 1. Last evaluated: 2019-06-16. Review status: criteria provided, single submitter. Criteria: Invitae Variant Classification Sherloc (09022015). Collection method: clinical testing. Allele origin: germline.
Comment: Algorithms developed to predict the effect of missense changes on protein structure and function (SIFT, PolyPhen-2, Align-GVGD) all suggest that this variant is likely to be tolerated, but these predictions have not been confirmed by published functional studies and their clinical significance is uncertain. In summary, the available evidence is currently insufficient to determine the role of this variant in disease. Therefore, it has been classified as a Variant of Uncertain Significance. This variant has not been reported in the literature in individuals with CASR-related conditions. This sequence change replaces glutamic acid with aspartic acid at codon 576 of the CASR protein (p.Glu576Asp). The glutamic acid residue is highly conserved and there is a small physicochemical difference between glutamic acid and aspartic acid. This variant is not present in population databases (ExAC no frequency).